The following is an entry in ClinVar:

ClinVar aggregate classification (germline): Uncertain significance (1 of 4 stars; one submission).

Conditions:
Hereditary nonpolyposis colorectal neoplasms. Identifiers: MedGen C0009405, MeSH D003123.

Submission:

Labcorp Genetics (formerly Invitae), Labcorp
Classification: Uncertain significance for Hereditary nonpolyposis colorectal neoplasms. Last evaluated: 2026-01-25. Review status: criteria provided, single submitter. Criteria: Invitae Variant Classification Sherloc (09022015). Collection method: clinical testing. Allele origin: germline.
Comment: This sequence change replaces leucine, which is neutral and non-polar, with valine, which is neutral and non-polar, at codon 1305 of the MSH6 protein (p.Leu1305Val). This variant is not present in population databases (gnomAD no frequency). This variant has not been reported in the literature in individuals affected with MSH6-related conditions. Invitae Evidence Modeling of protein sequence and biophysical properties (such as structural, functional, and spatial information, amino acid conservation, physicochemical variation, residue mobility, and thermodynamic stability) indicates that this missense variant is not expected to disrupt MSH6 protein function with a negative predictive value of 95%. In summary, the available evidence is currently insufficient to determine the role of this variant in disease. Therefore, it has been classified as a Variant of Uncertain Significance.

NM_000179.3(MSH6):c.3913C>G (p.Leu1305Val)

Gene: MSH6 (mutS homolog 6; plus strand). Cytogenetic location: 2p16.3.
Variant type: single nucleotide variant.
Coding change: c.3913C>G on transcript NM_000179.3 (MANE Select); coding-DNA position 3913, C replaced by G.
Protein change: p.Leu1305Val; replaces leucine 1305 with valine.
Molecular consequence: missense variant. On other transcripts: synonymous variant (1), non-coding transcript variant (5), intron variant (1).
Genome position (GRCh38, 1-based): chr2:47,806,563, C>G. VCF-style: chr2-47806563-C-G. GRCh37 (hg19) VCF-style: chr2-48033702-C-G.
Other names: c.3523C>G, p.Leu1175Val (NM_001281492.2); c.3007C>G, p.Leu1003Val (NM_001281493.2, NM_001281494.2, NM_001406811.1 and 6 more transcripts); c.4009C>G, p.Leu1337Val (NM_001406795.1); c.3913C>G, p.Leu1305Val (NM_001406796.1, NM_001406808.1, NM_001406809.1); c.3616C>G, p.Leu1206Val (NM_001406797.1, NM_001406801.1, NM_001406805.1 and 10 more transcripts); c.3739C>G, p.Leu1247Val (NM_001406798.1); c.3388C>G, p.Leu1130Val (NM_001406799.1, NM_001406806.1, NM_001406807.1); c.3900C>G, p.Gly1300= (NM_001406800.1); and 9 more; short protein forms L1003V, L1017V, L1130V, L1175V, L1206V, L1247V, L1249V, L1279V.
Identifiers: ClinVar variation 4800238 (VCV004800238.1).
Genomic context (GRCh38, chr2:47,806,563, plus strand): 5'-TTCCTCTATAAATTCATTAAGGGAGCTTGTCCTAAAAGCTATGGCTTTAATGCAGCAAGG[C>G]TTGCTAATCTCCCAGAGGAAGTTATTCAAAAGGGACATAGAAAAGCAAGAGAATTTGAGA-3'
Protein context (NP_000170.1, residues 1295-1315): PKSYGFNAAR[Leu1305Val]ANLPEEVIQK